The following is an entry in ClinVar:

NM_004859.4(CLTC):c.3862A>G (p.Asn1288Asp)

Gene: CLTC (clathrin heavy chain; plus strand). Cytogenetic location: 17q23.1.
Variant type: single nucleotide variant.
Coding change: c.3862A>G on transcript NM_004859.4 (MANE Select); coding-DNA position 3862, A replaced by G.
Protein change: p.Asn1288Asp; replaces asparagine 1288 with aspartic acid.
Molecular consequence: missense variant.
Genome position (GRCh38, 1-based): chr17:59,683,003, A>G. VCF-style: chr17-59683003-A-G. GRCh37 (hg19) VCF-style: chr17-57760364-A-G.
Other names: c.3874A>G, p.Asn1292Asp (NM_001288653.2); short protein forms N1288D, N1292D.
Identifiers: ClinVar variation 1714262 (VCV001714262.5), dbSNP rs2509153915, ClinGen allele CA400419328.

ClinVar aggregate classification (germline): Uncertain significance (1 of 4 stars; one submission).

Submission:

Labcorp Genetics (formerly Invitae), Labcorp
Classification: Uncertain significance. Last evaluated: 2024-10-22. Review status: criteria provided, single submitter. Criteria: Invitae Variant Classification Sherloc (09022015). Collection method: clinical testing. Allele origin: germline.
Comment: This sequence change replaces asparagine, which is neutral and polar, with aspartic acid, which is acidic and polar, at codon 1292 of the CLTC protein (p.Asn1292Asp). This variant is not present in population databases (gnomAD no frequency). This variant has not been reported in the literature in individuals affected with CLTC-related conditions. ClinVar contains an entry for this variant (Variation ID: 1714262). Invitae Evidence Modeling of protein sequence and biophysical properties (such as structural, functional, and spatial information, amino acid conservation, physicochemical variation, residue mobility, and thermodynamic stability) indicates that this missense variant is not expected to disrupt CLTC protein function with a negative predictive value of 80%. In summary, the available evidence is currently insufficient to determine the role of this variant in disease. Therefore, it has been classified as a Variant of Uncertain Significance.